The following is an entry in ClinVar:

NM_001033855.3(DCLRE1C):c.140T>A (p.Leu47Ter)

Gene: DCLRE1C (DNA cross-link repair 1C; minus strand). Cytogenetic location: 10p13.
Variant type: single nucleotide variant.
Coding change: c.140T>A on transcript NM_001033855.3 (MANE Select); coding-DNA position 140, T replaced by A.
Protein change: p.Leu47Ter; replaces leucine 47 with a stop codon.
Molecular consequence: nonsense. On other transcripts: 5 prime UTR variant (7), non-coding transcript variant (4), intron variant (2).
Genome position (GRCh38, 1-based): chr10:14,949,057, A>T on the plus strand (T>A on the coding strand, the complement: DCLRE1C is on the minus strand). VCF-style: chr10-14949057-A-T. GRCh37 (hg19) VCF-style: chr10-14991056-A-T.
Other names: NM_001033855.3(DCLRE1C):c.140T>A; p.Leu47Ter; c.-306T>A (NM_001033857.3, NM_001350967.2); c.-628T>A (NM_001033858.3); c.-65T>A (NM_001289076.2); c.-352T>A (NM_001289077.2); c.-674T>A (NM_001289079.2); c.140T>A, p.Leu47Ter (NM_001350965.2); and 2 more; short protein forms L47*.
Identifiers: ClinVar variation 2118854 (VCV002118854.5), dbSNP rs2492399920, ClinGen allele CA376064481.

ClinVar aggregate classification (germline): Likely pathogenic. Review status: reviewed by expert panel (3 of 4 stars). 2 submissions from 2 submitters: Likely pathogenic (1). 1 of the submissions does not count toward it. Last evaluated 2024-01-23.

Conditions:
Severe combined immunodeficiency due to DCLRE1C deficiency (RS-SCID). Also called: SCID, AUTOSOMAL RECESSIVE, T CELL-NEGATIVE, B CELL-NEGATIVE, NK CELL-POSITIVE, WITH SENSITIVITY TO IONIZING RADIATION. Identifiers: Orphanet 275, MedGen C1865371, MONDO:0011225, OMIM 602450.

Submissions (2):

ClinGen Severe Combined Immunodeficiency Variant Curation Expert Panel, ClinGen
Classification: Likely pathogenic for Severe combined immunodeficiency due to DCLRE1C deficiency. Last evaluated: 2024-01-23. Review status: reviewed by expert panel. Criteria: ClinGen SCID ACMG Specifications DCLRE1C V1.0.0. Collection method: curation. Allele origin: germline. Inheritance: Autosomal recessive inheritance.
Comment: The c.140T>A (p.Leu47Ter)(NM_001033855.3) variant in DCLRE1C is a nonsense variant predicted to cause a premature stop codon in biologically relevant exon 2/14 leading to nonsense-mediated decay in a gene in which loss-of-function is an established disease mechanism (PVS1 is met). This variant is absent from gnomAD v2.1.1 (PM2_Supporting). To our knowledge, this variant has not been reported in the literature in individuals affected with DCLRE1C-related conditions or in functional studies. In summary, this variant meets the criteria to be classified as Likely Pathogenic for autosomal recessive severe combined immunodeficiency due to DCLRE1C deficiency based on the ACMG/AMP criteria applied, as specified by the ClinGen SCID VCEP: PM2_Supporting and PVS1 (VCEP specifications version 1).

Labcorp Genetics (formerly Invitae), Labcorp
Classification: Pathogenic for Athabaskan severe combined immunodeficiency. Last evaluated: 2022-03-28. Review status: criteria provided, single submitter. Criteria: Invitae Variant Classification Sherloc (09022015). Collection method: clinical testing. Allele origin: germline. Not counted in ClinVar's aggregate classification.
Comment: This sequence change creates a premature translational stop signal (p.Leu47*) in the DCLRE1C gene. It is expected to result in an absent or disrupted protein product. Loss-of-function variants in DCLRE1C are known to be pathogenic (PMID: 21664875, 26123418). For these reasons, this variant has been classified as Pathogenic. This variant has not been reported in the literature in individuals affected with DCLRE1C-related conditions. This variant is not present in population databases (gnomAD no frequency).

Literature cited by the submitters: PubMed 21664875 (cited by Labcorp Genetics (formerly Invitae), Labcorp); PubMed 26123418 (cited by Labcorp Genetics (formerly Invitae), Labcorp).